The following is an entry in ClinVar:

ClinVar aggregate classification (germline): Uncertain significance (1 of 4 stars; one submission).

Submission:

Labcorp Genetics (formerly Invitae), Labcorp
Classification: Uncertain significance. Last evaluated: 2020-08-11. Review status: criteria provided, single submitter. Criteria: Invitae Variant Classification Sherloc (09022015). Collection method: clinical testing. Allele origin: germline.
Comment: This sequence change replaces methionine with threonine at codon 160 of the CLUAP1 protein (p.Met160Thr). The methionine residue is weakly conserved and there is a moderate physicochemical difference between methionine and threonine. This variant is not present in population databases (ExAC no frequency). In summary, the available evidence is currently insufficient to determine the role of this variant in disease. Therefore, it has been classified as a Variant of Uncertain Significance. Algorithms developed to predict the effect of missense changes on protein structure and function are either unavailable or do not agree on the potential impact of this missense change (SIFT: "Deleterious"; PolyPhen-2: "Benign"; Align-GVGD: "Class C0"). This variant has not been reported in the literature in individuals with CLUAP1-related conditions.

NM_015041.3(CLUAP1):c.479T>C (p.Met160Thr)

Gene: CLUAP1 (clusterin associated protein 1; plus strand). Cytogenetic location: 16p13.3.
Variant type: single nucleotide variant.
Coding change: c.479T>C on transcript NM_015041.3 (MANE Select); coding-DNA position 479, T replaced by C.
Protein change: p.Met160Thr; replaces methionine 160 with threonine.
Molecular consequence: missense variant. On other transcripts: intron variant (1).
Genome position (GRCh38, 1-based): chr16:3,512,462, T>C. VCF-style: chr16-3512462-T-C. GRCh37 (hg19) VCF-style: chr16-3562462-T-C.
Other names: c.479T>C, p.Met160Thr (NM_001330454.2); c.-4+2493T>C (NM_024793.3); short protein forms M160T.
Identifiers: ClinVar variation 1038900 (VCV001038900.8), dbSNP rs2037647899, ClinGen allele CA394512834.
Genomic context (GRCh38, chr16:3,512,462, plus strand): 5'-CCAGGCAGCTTGCGTCTGAAATCACCTCCAAAGGAGCATCTCTGTATGACTTGCTCGGCA[T>C]GGAAGTAGAGTTGAGGGTAAGCATTCCAGTACTTCCTTAACCATGCAGATTTTCTCTTCA-3'
Protein context (NP_055856.1, residues 150-170): KGASLYDLLG[Met160Thr]EVELREMRTE